The following is an entry in ClinVar:

ClinVar aggregate classification (germline): Uncertain significance. Review status: criteria provided, multiple submitters, no conflicts (2 of 4 stars). 4 submissions from 4 submitters: Uncertain significance (4). Last evaluated 2026-09-16.

Conditions:
SQSTM1-related disorder. Also called: SQSTM1-Related Disorders.
Paget disease of bone 2, early-onset (PDB2). Also called: Paget disease of bone 2. Identifiers: MedGen C4085251, MONDO:0011183, OMIM 602080.
Frontotemporal dementia and/or amyotrophic lateral sclerosis 1 (FTDALS1). Also called: C9orf72 Frontotemporal Dementia and/or Amyotrophic Lateral Sclerosis; Frontotemporal dementia with motor neuron disease 1. Identifiers: Orphanet 275872, MedGen C5779877, MONDO:0007105, OMIM 105550.
Inborn genetic diseases. Identifiers: MedGen C0950123, MeSH D030342.

Allele frequency attached by ClinVar (database versions not stated): ExAC 0.00002; gnomAD exomes 0.00002; TOPMed 0.00002; gnomAD 0.00003; ESP Exome Variant Server 0.00008.
gnomAD v4.1: 33 of 1,614,048 alleles (0.002%); highest among the groups gnomAD compares: African/African-American, 0.004%; no homozygotes.

Submissions (4):

PreventionGenetics, part of Exact Sciences
Classification: Uncertain significance for SQSTM1-related condition. Last evaluated: 2026-09-16. Review status: criteria provided, single submitter. Criteria: ACMG Guidelines, 2015. Collection method: clinical testing. Allele origin: germline.
Comment: The SQSTM1 c.799C>T variant is predicted to result in the amino acid substitution p.Arg267Cys. This variant has been reported in an individual with amyotrophic lateral sclerosis (Table S3, Liu et al. 2021. PubMed ID: 34275688). This variant is reported in 0.0056% of alleles in individuals of Latino descent in gnomAD and is interpreted as uncertain in ClinVar. At this time, the clinical significance of this variant is uncertain due to the absence of conclusive functional and genetic evidence.

Ambry Genetics
Classification: Uncertain significance for Inborn genetic diseases. Last evaluated: 2025-11-26. Review status: criteria provided, single submitter. Criteria: Ambry Variant Classification Scheme 2023. Collection method: clinical testing. Allele origin: germline.

Labcorp Genetics (formerly Invitae), Labcorp
Classification: Uncertain significance for Paget disease of bone 2, early-onset; Frontotemporal dementia and/or amyotrophic lateral sclerosis 1. Last evaluated: 2025-09-22. Review status: criteria provided, single submitter. Criteria: Invitae Variant Classification Sherloc (09022015). Collection method: clinical testing. Allele origin: germline.
Comment: This sequence change replaces arginine, which is basic and polar, with cysteine, which is neutral and slightly polar, at codon 267 of the SQSTM1 protein (p.Arg267Cys). This variant is present in population databases (rs138928957, gnomAD 0.006%). This missense change has been observed in individual(s) with amyotrophic lateral sclerosis (PMID: 34275688). ClinVar contains an entry for this variant (Variation ID: 430184). Invitae Evidence Modeling of protein sequence and biophysical properties (such as structural, functional, and spatial information, amino acid conservation, physicochemical variation, residue mobility, and thermodynamic stability) indicates that this missense variant is not expected to disrupt SQSTM1 protein function with a negative predictive value of 80%. In summary, the available evidence is currently insufficient to determine the role of this variant in disease. Therefore, it has been classified as a Variant of Uncertain Significance.

GeneDx
Classification: Uncertain significance. Last evaluated: 2017-05-19. Review status: criteria provided, single submitter. Criteria: GeneDx Variant Classification (06012015). Collection method: clinical testing. Allele origin: germline. Affected: yes.
Comment: The R267C variant in the SQSTM1 gene has not been reported previously as a pathogenic variant, nor as a benign variant, to our knowledge. The R267C variant is observed in 1/11574 (0.0086%) alleles from individuals of Latino background, in large population cohorts (Lek et al., 2016; 1000 Genomes Consortium et al., 2015; Exome Variant Server). The R267C variant is a non-conservative amino acid substitution, which is likely to impact secondary protein structure as these residues differ in polarity, charge, size and/or other properties. This substitution occurs at a position that is not conserved. In silico analysis predicts this variant is probably damaging to the protein structure/function. We interpret R267C as a variant of uncertain significance.

Literature cited by the submitters: PubMed 34275688 (cited by Labcorp Genetics (formerly Invitae), Labcorp).

NM_003900.5(SQSTM1):c.799C>T (p.Arg267Cys)

Gene: SQSTM1 (sequestosome 1; plus strand). Cytogenetic location: 5q35.3.
Variant type: single nucleotide variant.
Coding change: c.799C>T on transcript NM_003900.5 (MANE Select); coding-DNA position 799, C replaced by T.
Protein change: p.Arg267Cys; replaces arginine 267 with cysteine.
Molecular consequence: missense variant.
Genome position (GRCh38, 1-based): chr5:179,833,076, C>T. VCF-style: chr5-179833076-C-T. GRCh37 (hg19) VCF-style: chr5-179260076-C-T.
Other names: c.547C>T, p.Arg183Cys (NM_001142298.2, NM_001142299.2); short protein forms R183C, R267C.
Identifiers: ClinVar variation 430184 (VCV000430184.11), dbSNP rs138928957, ClinGen allele CA3600685.